The following is an entry in ClinVar:

ClinVar aggregate classification (germline): Uncertain significance (1 of 4 stars; one submission).

Conditions:
Inborn genetic diseases. Identifiers: MedGen C0950123, MeSH D030342.

gnomAD v4.1: 1 of 1,614,086 alleles (0.000062%); highest among the groups gnomAD compares: Non-Finnish European, 0.000085%; no homozygotes.

Submission:

Ambry Genetics
Classification: Uncertain significance for Inborn genetic diseases. Last evaluated: 2025-11-18. Review status: criteria provided, single submitter. Criteria: Ambry Variant Classification Scheme 2023. Collection method: clinical testing. Allele origin: germline.
Comment: The p.P516S variant (also known as c.1546C>T), located in coding exon 11 of the BMPR2 gene, results from a C to T substitution at nucleotide position 1546. The proline at codon 516 is replaced by serine, an amino acid with similar properties. This amino acid position is conserved. In addition, this alteration is predicted to be deleterious by in silico analysis. Based on the available evidence, the clinical significance of this variant remains unclear.

NM_001204.7(BMPR2):c.1546C>T (p.Pro516Ser)

Gene: BMPR2 (bone morphogenetic protein receptor type 2; plus strand). Cytogenetic location: 2q33.2.
Variant type: single nucleotide variant.
Coding change: c.1546C>T on transcript NM_001204.7 (MANE Select); coding-DNA position 1546, C replaced by T.
Protein change: p.Pro516Ser; replaces proline 516 with serine.
Molecular consequence: missense variant.
Genome position (GRCh38, 1-based): chr2:202,552,848, C>T. VCF-style: chr2-202552848-C-T. GRCh37 (hg19) VCF-style: chr2-203417571-C-T.
Other names: short protein forms P516S.
Identifiers: ClinVar variation 4597816 (VCV004597816.1).